The following is an entry in ClinVar:

ClinVar aggregate classification (germline): Pathogenic/Likely pathogenic. Review status: criteria provided, multiple submitters, no conflicts (2 of 4 stars). 5 submissions from 5 submitters: Pathogenic (2); Likely pathogenic (3). Last evaluated 2025-09-27.

Conditions:
Neurodevelopmental disorder with regression, abnormal movements, loss of speech, and seizures. Identifiers: Orphanet 597623, MedGen C4748127, MONDO:0060759, OMIM 618088.

Submissions (5):

GeneDx
Classification: Pathogenic. Last evaluated: 2025-09-27. Review status: criteria provided, single submitter. Criteria: GeneDx Variant Classification Process June 2021. Collection method: clinical testing. Allele origin: germline. Affected: yes.
Comment: Frameshift variant predicted to result in abnormal protein length as the last 84 amino acid(s) are replaced with 53 different amino acid(s), and other similar variants have been reported in HGMD; Not observed at significant frequency in large population cohorts (gnomAD); This variant is associated with the following publications: (PMID: 33057194, 35982159, 36127562, 37463579)

Labcorp Genetics (formerly Invitae), Labcorp
Classification: Pathogenic. Last evaluated: 2025-05-23. Review status: criteria provided, single submitter. Criteria: Invitae Variant Classification Sherloc (09022015). Collection method: clinical testing. Allele origin: germline.
Comment: This sequence change creates a premature translational stop signal (p.Leu713Serfs*54) in the IRF2BPL gene. While this is not anticipated to result in nonsense mediated decay, it is expected to disrupt the last 84 amino acid(s) of the IRF2BPL protein. This variant is not present in population databases (gnomAD no frequency). This premature translational stop signal has been observed in individual(s) with IRF2BPL-related conditions (PMID: 37463579). In at least one individual the variant was observed to be de novo. ClinVar contains an entry for this variant (Variation ID: 1691661). For these reasons, this variant has been classified as Pathogenic.

Division of Genetic & Genomic Pathology, Hong Kong Children's Hospital
Classification: Likely pathogenic for Neurodevelopmental disorder with regression, abnormal movements, loss of speech, and seizures. Last evaluated: 2024-09-10. Review status: criteria provided, single submitter. Criteria: ACMG Guidelines, 2015. Collection method: clinical testing. Allele origin: germline. Affected: yes.
Comment: IRF2BPL c.2137del is a frameshift variant at amino acid position 713/796 of the IRF2BPL gene. This is a single exon gene where frameshift variants may escape nonsense mediated decay and result in a truncated protein. This variant is predicted to remove >10% of the normal protein sequence, and may disrupt protein function. This variant is absent from population control databases (gnomAD v2.1.1 and v4.1.0). It has been reported to be likely pathogenic in ClinVar (VCV001691661.4), and in at least two patients with neurodevelopmental disorder (PMID: 33057194, 35982159). For these reasons, this variant is classified as likely pathogenic.

Broad Center for Mendelian Genomics, Broad Institute of MIT and Harvard
Classification: Likely pathogenic for Neurodevelopmental disorder with regression, abnormal movements, loss of speech, and seizures. Last evaluated: 2022-08-25. Review status: criteria provided, single submitter. Criteria: ACMG Guidelines, 2015. Collection method: curation. Allele origin: germline. Inheritance: Autosomal dominant inheritance. Affected: yes.
Comment: Trio exome analysis showed this variant to be de novo. The p.Leu713fs variant in IRF2BPL has not been previously reported in individuals with a neurodevelopmental disorder and was absent from large population studies. This variant is predicted to cause a frameshift, which alters the protein’s amino acid sequence beginning at position 713 and leads to a premature termination codon 54 amino acids downstream. This gene is a single exon gene so frameshift variants are more likely to escape nonsense mediated decay (NMD) and result in a truncated protein. However, this variant is predicted to remove >10% of the normal protein sequence, and is therefore likely to disrupt protein function. Heterozygous loss of function of the IRF2BPL gene is an established disease mechanism in neurodevelopmental disorders. In summary, although additional studies are required to fully establish its clinical significance, this variant is likely pathogenic for autosomal dominant neurodevelopmental disorder. ACMG/AMP Criteria applied: PVS1_strong, PS2_moderate, PM2_supporting (Richards 2015).

Juno Genomics, Hangzhou Juno Genomics, Inc
Classification: Likely pathogenic for Neurodevelopmental disorder with regression, abnormal movements, loss of speech, and seizures. Review status: criteria provided, single submitter. Criteria: ACMG Guidelines, 2015. Collection method: clinical testing. Allele origin: germline. Affected: yes.
Comment: Absent from controls (or at extremely low frequency if recessive) in Genome Aggregation Database.;Null variant in a gene where loss of function (LOF) is a known mechanism of disease.;The prevalence of the variant in affected individuals is significantly increased compared to the prevalence in controls.;Assumed de novo, but without confirmation of paternity and maternity.

Literature cited by the submitters: PubMed 37463579 (cited by Labcorp Genetics (formerly Invitae), Labcorp); PubMed 33057194 (cited by Division of Genetic & Genomic Pathology, Hong Kong Children's Hospital); PubMed 35982159 (cited by Division of Genetic & Genomic Pathology, Hong Kong Children's Hospital).

NM_024496.4(IRF2BPL):c.2137del (p.Leu713fs)

Gene: IRF2BPL (interferon regulatory factor 2 binding protein like; minus strand). Cytogenetic location: 14q24.3.
Variant type: Deletion.
Coding change: c.2137del on transcript NM_024496.4 (MANE Select); coding-DNA position 2137, one base deleted (C; older notation c.2137delC).
Protein change: p.Leu713fs; shifts the reading frame from leucine 713.
Molecular consequence: frameshift variant.
Genome position (GRCh38, 1-based): chr14:77,025,656, G deleted on the plus strand (C on the coding strand, the reverse complement: IRF2BPL is on the minus strand); the first of 4 consecutive G bases (chr14:77,025,656-77,025,659); deleting any one gives the same sequence. VCF-style (leftmost placement, unchanged base first): chr14-77025655-AG-A. GRCh37 (hg19) VCF-style: chr14-77491998-AG-A.
Other names: NM_024496.4:c.2137del; short protein forms L713fs.
Identifiers: ClinVar variation 1691661 (VCV001691661.8), dbSNP rs1885090179, ClinGen allele CA487507777.